The following is an entry in ClinVar:

ClinVar aggregate classification (germline): Pathogenic (1 of 4 stars; one submission).

Conditions:
3-methylcrotonyl-CoA carboxylase 1 deficiency (MCC1D). Also called: MCC 1 deficiency; 3 Alpha methylcrotonylglycinuria 1; MCCD TYPE 1; METHYLCROTONYLGLYCINURIA TYPE I. Identifiers: Orphanet 6, MedGen CN028786, MONDO:0008861, OMIM 210200.

Submission:

Labcorp Genetics (formerly Invitae), Labcorp
Classification: Pathogenic for 3-methylcrotonyl-CoA carboxylase 1 deficiency. Last evaluated: 2023-07-09. Review status: criteria provided, single submitter. Criteria: Invitae Variant Classification Sherloc (09022015). Collection method: clinical testing. Allele origin: unknown.
Comment: This variant is a gross deletion of the genomic region encompassing exon(s) 9-14 of the MCCC1 gene. This deletion is out-of-frame, and is expected to create a premature termination codon and result in an absent or disrupted protein product. Loss-of-function variants in MCCC1 are known to be pathogenic (PMID: 11181649, 15359379, 22642865). This variant has not been reported in the literature in individuals affected with MCCC1-related conditions. For these reasons, this variant has been classified as Pathogenic.

Literature cited by the submitters: PubMed 11181649; PubMed 15359379; PubMed 22642865.

NC_000003.11:g.(?_182751759)_(182770048_?)del

Gene: MCCC1 (methylcrotonyl-CoA carboxylase subunit 1; minus strand). Cytogenetic location: 3q27.1.
Variant type: Deletion.
Identifiers: ClinVar variation 3246943 (VCV003246943.1).